The following is an entry in ClinVar:

NC_012920.1(MT-ND2):m.4705T>C

Gene: MT-ND2 (mitochondrially encoded NADH dehydrogenase 2; plus strand).
Variant type: single nucleotide variant.
Genome position: chrM-4705-T-C.
Identifiers: ClinVar variation 692484 (VCV000692484.1), dbSNP rs1603219572, ClinGen allele CA414775405.

ClinVar aggregate classification (germline): Benign (1 of 4 stars; one submission).

Conditions:
Leigh syndrome (NULS). Also called: Leigh's necrotizing encephalopathy; Leigh's disease; Leigh Syndrome (mtDNA deletion); Leigh Disease; Subacute necrotizing encephalopathy; Necrotizing encephalopathy infantile subacute of Leigh. Identifiers: Orphanet 506, MedGen C2931891, MONDO:0009723, OMIM 256000.

Submission:

Wong Mito Lab, Molecular and Human Genetics, Baylor College of Medicine
Classification: Benign for Leigh syndrome. Last evaluated: 2019-10-17. Review status: criteria provided, single submitter. Criteria: Modified ACMG Guidelines (Unpublished). Collection method: clinical testing. Allele origin: germline.
Comment: The NC_012920.1:m.4705T>C (YP_003024027.1:p.Met79Thr) variant in MTND2 gene is interpretated to be a Benign variant based on the modified ACMG guidelines (unpublished). This variant meets the following evidence codes: BS1, BS4, BP4